The following is an entry in ClinVar:

ClinVar aggregate classification (germline): Uncertain significance (1 of 4 stars; one submission).

Allele frequency attached by ClinVar (database versions not stated): gnomAD exomes below 0.00001; ExAC 0.00001.
gnomAD v4.1: 2 of 1,595,736 alleles (0.00013%); highest among the groups gnomAD compares: Non-Finnish European, 0.00017%; no homozygotes.

Submission:

Ambry Genetics
Classification: Uncertain significance. Last evaluated: 2022-12-16. Review status: criteria provided, single submitter. Criteria: Ambry Variant Classification Scheme 2023. Collection method: clinical testing. Allele origin: germline.
Comment: The p.R260Q variant (also known as c.779G>A), located in coding exon 8 of the SLMAP gene, results from a G to A substitution at nucleotide position 779. The arginine at codon 260 is replaced by glutamine, an amino acid with highly similar properties. This amino acid position is conserved. In addition, the in silico prediction for this alteration is inconclusive. Since supporting evidence is limited at this time, the clinical significance of this alteration remains unclear.

NM_001377540.1(SLMAP):c.779G>A (p.Arg260Gln)

Gene: SLMAP (sarcolemma associated protein; plus strand). Cytogenetic location: 3p14.3.
Variant type: single nucleotide variant.
Coding change: c.779G>A on transcript NM_001377540.1 (MANE Select); coding-DNA position 779, G replaced by A.
Protein change: p.Arg260Gln; replaces arginine 260 with glutamine.
Molecular consequence: missense variant. On other transcripts: non-coding transcript variant (1).
Genome position (GRCh38, 1-based): chr3:57,860,790, G>A. VCF-style: chr3-57860790-G-A. GRCh37 (hg19) VCF-style: chr3-57846517-G-A.
Other names: c.779G>A, p.Arg260Gln (NM_001304420.3, NM_001304421.2, NM_001377538.1 and 17 more transcripts); short protein forms R260Q.
Identifiers: ClinVar variation 2447999 (VCV002447999.2), dbSNP rs753738680, ClinGen allele CA2466915.